The following is an entry in ClinVar:

ClinVar aggregate classification (germline): Uncertain significance (1 of 4 stars; one submission).

Submission:

GeneDx
Classification: Uncertain significance. Last evaluated: 2025-01-09. Review status: criteria provided, single submitter. Criteria: GeneDx Variant Classification Process June 2021. Collection method: clinical testing. Allele origin: germline. Affected: yes.
Comment: Not observed at significant frequency in large population cohorts (gnomAD); In silico analysis supports that this missense variant has a deleterious effect on protein structure/function; Has not been previously published as pathogenic or benign to our knowledge

NM_021083.4(XK):c.731A>C (p.Asn244Thr)

Gene: XK (X-linked Kx blood group antigen, Kell and VPS13A binding protein; plus strand). Cytogenetic location: Xp21.1.
Variant type: single nucleotide variant.
Coding change: c.731A>C on transcript NM_021083.4 (MANE Select); coding-DNA position 731, A replaced by C.
Protein change: p.Asn244Thr; replaces asparagine 244 with threonine.
Molecular consequence: missense variant.
Genome position (GRCh38, 1-based): chrX:37,727,858, A>C. VCF-style: chrX-37727858-A-C. GRCh37 (hg19) VCF-style: chrX-37587111-A-C.
Other names: short protein forms N244T.
Identifiers: ClinVar variation 4057057 (VCV004057057.1).
Genomic context (GRCh38, chrX:37,727,858, plus strand): 5'-TAGTCCTGGTCCTCTTTACCTCCGTCCTGAAGACCTGGGTGGTGGTTATAATACTCATCA[A>C]CTTCTTCAGTTTCTTCTTGTACCCCTGGATCCTCTTCTGGTGCAGTGGTTCCCCATTCCC-3'
Protein context (NP_066569.1, residues 234-254): KTWVVVIILI[Asn244Thr]FFSFFLYPWI